The following is an entry in ClinVar:

ClinVar aggregate classification (germline): Uncertain significance. Review status: criteria provided, multiple submitters, no conflicts (2 of 4 stars). 3 submissions from 3 submitters: Uncertain significance (3). Last evaluated 2024-08-20.

Conditions:
Hypertrophic cardiomyopathy 9. Also called: Familial hypertrophic cardiomyopathy 9. Identifiers: MedGen C1861065, MONDO:0013412, OMIM 613765.
Early-onset myopathy with fatal cardiomyopathy (CMYO5). Also called: Salih Myopathy; CONGENITAL MYOPATHY 5 WITH CARDIOMYOPATHY. Identifiers: Orphanet 289377, MedGen C2673677, MONDO:0012714, OMIM 611705. Disease mechanism: loss of function.
Autosomal recessive limb-girdle muscular dystrophy type 2J (LGMDR10). Also called: Limb-girdle muscular dystrophy, type 2J; MUSCULAR DYSTROPHY, LIMB-GIRDLE, AUTOSOMAL RECESSIVE 10. Identifiers: Orphanet 140922, MedGen C1837342, MONDO:0012127, OMIM 608807.
Tibial muscular dystrophy (TMD). Also called: UDD MYOPATHY; Udd Distal Myopathy – Tibial Muscular Dystrophy; Tibial muscular dystrophy, tardive. Identifiers: Orphanet 609, MedGen C1838244, MONDO:0010870, OMIM 600334.
Myopathy, myofibrillar, 9, with early respiratory failure (MFM9). Also called: MYOPATHY, PROXIMAL, WITH EARLY RESPIRATORY MUSCLE INVOLVEMENT; Hereditary myopathy with early respiratory failure; EDSTROM MYOPATHY; Myopathy, distal, with early respiratory failure, autosomal dominant. Identifiers: Orphanet 178464, Orphanet 34521, MedGen C1863599, MONDO:0011362, OMIM 603689.
Dilated cardiomyopathy 1G (CMD1G). Identifiers: Orphanet 154, MedGen C1858763, MONDO:0011400, OMIM 604145.

Allele frequency attached by ClinVar (database versions not stated): gnomAD 0.00002; TOPMed 0.00002.
gnomAD v4.1: 39 of 1,613,590 alleles (0.0024%); highest among the groups gnomAD compares: Non-Finnish European, 0.0031%; no homozygotes.

Submissions (3):

GeneDx
Classification: Uncertain significance. Last evaluated: 2024-08-20. Review status: criteria provided, single submitter. Criteria: GeneDx Variant Classification Process June 2021. Collection method: clinical testing. Allele origin: germline. Affected: yes.
Comment: Not observed at significant frequency in large population cohorts (gnomAD); Missense variant in a gene in which most reported pathogenic variants are truncating/loss of function; Has not been previously published as pathogenic or benign to our knowledge

Fulgent Genetics
Classification: Uncertain significance for Tibial muscular dystrophy; Myopathy, myofibrillar, 9, with early respiratory failure; Dilated cardiomyopathy 1G; Autosomal recessive limb-girdle muscular dystrophy type 2J; Early-onset myopathy with fatal cardiomyopathy; Hypertrophic cardiomyopathy 9. Last evaluated: 2021-11-05. Review status: criteria provided, single submitter. Criteria: ACMG Guidelines, 2015. Collection method: clinical testing. Allele origin: unknown.

Agnes Ginges Centre for Molecular Cardiology, Centenary Institute
Classification: Uncertain significance for Hypertrophic cardiomyopathy 9. Last evaluated: 2018-10-16. Review status: criteria provided, single submitter. Criteria: ACMG Guidelines, 2015. Collection method: research. Allele origin: germline. Inheritance: Autosomal dominant inheritance. Affected: yes.
Comment: TTN Arg10083His has not been previously reported and is absent from the Genome Aggregation Database. In silico tools, PolyPhen2 and CADD predict this variant to be deleterious, but MutationTaster predicts it to be a 'polymorphism'. Based on this information we classify this as a variant of 'uncertain significance'.

NM_001267550.2(TTN):c.30248G>A (p.Arg10083His)

Gene: TTN (titin; minus strand). Cytogenetic location: 2q31.2.
Variant type: single nucleotide variant.
Coding change: c.30248G>A on transcript NM_001267550.2 (MANE Select); coding-DNA position 30248, G replaced by A.
Protein change: p.Arg10083His; replaces arginine 10083 with histidine.
Molecular consequence: missense variant. On other transcripts: intron variant (3).
Genome position (GRCh38, 1-based): chr2:178,702,639, C>T on the plus strand (G>A on the coding strand, the complement: TTN is on the minus strand). VCF-style: chr2-178702639-C-T. GRCh37 (hg19) VCF-style: chr2-179567366-C-T.
Other names: c.29297G>A, p.Arg9766His (NM_001256850.1); c.26516G>A, p.Arg8839His (NM_133378.4); c.13282+35443G>A (NM_003319.4); c.13858+35443G>A (NM_133437.4); c.13657+35443G>A (NM_133432.3); short protein forms R10083H, R8839H, R9766H.
Identifiers: ClinVar variation 810749 (VCV000810749.3), dbSNP rs759347532, ClinGen allele CA60998162.